The following is an entry in ClinVar:

ClinVar aggregate classification (germline): Benign/Likely benign. Review status: criteria provided, multiple submitters, no conflicts (2 of 4 stars). 19 submissions from 14 submitters: Benign (15); Likely benign (1). 3 of the submissions do not count toward it. Last evaluated 2026-02-03.

Conditions:
Encephalopathy due to GLUT1 deficiency. Also called: GLUCOSE TRANSPORT DEFECT, BLOOD-BRAIN BARRIER; Classic Glucose Transporter Type 1 Deficiency Syndrome; De Vivo disease; GLUT1 deficiency syndrome 1; Glucose transporter protein syndrome; GLUT1 deficiency syndrome 1, infantile onset, severe. Identifiers: Orphanet 71277, MedGen C4551966, MONDO:0011724, OMIM 606777.
Inborn genetic diseases. Identifiers: MedGen C0950123, MeSH D030342.
Hereditary cryohydrocytosis with reduced stomatin. Also called: Stomatin-deficient cryohydrocytosis with neurologic defects; GLUT1 DEFICIENCY SYNDROME WITH PSEUDOHYPERKALEMIA AND HEMOLYSIS. Identifiers: Orphanet 168577, MedGen C1837206, MONDO:0012143, OMIM 608885.
Dystonia 9 (DYT9). Also called: CHOREOATHETOSIS, KINESIGENIC, WITH EPISODIC ATAXIA AND SPASTICITY. Identifiers: Orphanet 53583, MedGen C1832855, MONDO:0010983, OMIM 601042.
Epilepsy, idiopathic generalized, susceptibility to, 12 (EIG12). Identifiers: MedGen C3553859, MONDO:0013919, OMIM 614847.
GLUT1 deficiency syndrome 1, autosomal recessive. Identifiers: MedGen C3149117.
Childhood onset GLUT1 deficiency syndrome 2. Also called: Exertion-induced paroxysmal dyskinesia; PED WITH OR WITHOUT EPILEPSY AND/OR HEMOLYTIC ANEMIA; PAROXYSMAL EXERCISE-INDUCED DYSKINESIA WITH OR WITHOUT EPILEPSY AND/OR HEMOLYTIC ANEMIA; PAROXYSMAL EXERTION-INDUCED DYSTONIA WITH OR WITHOUT EPILEPSY AND/OR HEMOLYTIC ANEMIA; Paroxysmal exercise-induced dystonia; GLUT1 deficiency syndrome 2. Identifiers: Orphanet 98811, MedGen C1842534, MONDO:0012805, OMIM 612126.

Allele frequency attached by ClinVar (database versions not stated): gnomAD exomes 0.00519 and 0.01365; ExAC 0.01634; gnomAD 0.04295 and 0.04552; ESP Exome Variant Server 0.04775; TOPMed 0.04848; 1000 Genomes Project 0.05431; 1000 Genomes Project 30x 0.05746.
gnomAD v4.1: 14,436 of 1,613,708 alleles (0.89%); highest among the groups gnomAD compares: African/African-American, 14%; 879 homozygotes.

Submissions (19):

Labcorp Genetics (formerly Invitae), Labcorp
Classification: Benign for GLUT1 deficiency syndrome 1, autosomal recessive. Last evaluated: 2026-02-03. Review status: criteria provided, single submitter. Criteria: Invitae Variant Classification Sherloc (09022015). Collection method: clinical testing. Allele origin: germline.

Blueprint Genetics
Classification: Likely benign. Last evaluated: 2024-11-13. Review status: criteria provided, single submitter. Criteria: ACMG Guidelines, 2015. Collection method: clinical testing. Allele origin: germline.

Genome-Nilou Lab
Classification: Benign for Epilepsy, idiopathic generalized, susceptibility to, 12. Last evaluated: 2023-04-11. Review status: criteria provided, single submitter. Criteria: ACMG Guidelines, 2015. Collection method: clinical testing. Allele origin: germline. Affected: no.

Genome-Nilou Lab
Classification: Benign for Dystonia 9. Last evaluated: 2023-04-11. Review status: criteria provided, single submitter. Criteria: ACMG Guidelines, 2015. Collection method: clinical testing. Allele origin: germline. Affected: no.

Genome-Nilou Lab
Classification: Benign for Encephalopathy due to GLUT1 deficiency. Last evaluated: 2023-04-11. Review status: criteria provided, single submitter. Criteria: ACMG Guidelines, 2015. Collection method: clinical testing. Allele origin: germline. Affected: no.

Genome-Nilou Lab
Classification: Benign for Childhood onset GLUT1 deficiency syndrome 2. Last evaluated: 2023-04-11. Review status: criteria provided, single submitter. Criteria: ACMG Guidelines, 2015. Collection method: clinical testing. Allele origin: germline. Affected: no.

Genome-Nilou Lab
Classification: Benign for Hereditary cryohydrocytosis with reduced stomatin. Last evaluated: 2023-04-11. Review status: criteria provided, single submitter. Criteria: ACMG Guidelines, 2015. Collection method: clinical testing. Allele origin: germline. Affected: no.

Mayo Clinic Laboratories, Mayo Clinic
Classification: Benign. Last evaluated: 2022-03-24. Review status: criteria provided, single submitter. Criteria: ACMG Guidelines, 2015. Collection method: clinical testing. Allele origin: germline. Observed: 211 variant alleles.

Illumina Laboratory Services, Illumina
Classification: Benign for Encephalopathy due to GLUT1 deficiency. Last evaluated: 2018-01-12. Review status: criteria provided, single submitter. Criteria: ICSL Variant Classification Criteria 13 December 2019. Collection method: clinical testing. Allele origin: germline.
Comment: This variant was observed in the ICSL laboratory as part of a predisposition screen in an ostensibly healthy population. It had not been previously curated by ICSL or reported in the Human Gene Mutation Database (HGMD: prior to June 1st, 2018), and was therefore a candidate for classification through an automated scoring system. Utilizing variant allele frequency, disease prevalence and penetrance estimates, and inheritance mode, an automated score was calculated to assess if this variant is too frequent to cause the disease. Based on the score and internal cut-off values, a variant classified as benign is not then subjected to further curation. The score for this variant resulted in a classification of benign for this disease.

Illumina Laboratory Services, Illumina
Classification: Benign for Dystonia 9. Last evaluated: 2018-01-12. Review status: criteria provided, single submitter. Criteria: ICSL Variant Classification Criteria 13 December 2019. Collection method: clinical testing. Allele origin: germline.
Comment: the same text as in the submission from Illumina Laboratory Services, Illumina above.

Ambry Genetics
Classification: Benign for Inborn genetic diseases. Last evaluated: 2016-03-18. Review status: criteria provided, single submitter. Criteria: Ambry Variant Classification Scheme 2023. Collection method: clinical testing. Allele origin: germline.

GeneDx
Classification: Benign. Last evaluated: 2015-03-03. Review status: criteria provided, single submitter. Criteria: GeneDx Variant Classification Process June 2021. Collection method: clinical testing. Allele origin: germline. Affected: yes.

Eurofins Ntd Llc (ga)
Classification: Benign. Last evaluated: 2014-06-05. Review status: criteria provided, single submitter. Criteria: EGL Classification Definitions 2015. Collection method: clinical testing. Allele origin: germline. Observed: 6 variant alleles, 6 heterozygotes.

Genetic Services Laboratory, University of Chicago
Classification: Benign. Last evaluated: 2013-02-08. Review status: criteria provided, single submitter. Criteria: ACMG Guidelines, 2007. Collection method: clinical testing. Allele origin: germline. Inheritance: Autosomal dominant inheritance.

Breakthrough Genomics
Classification: Benign. Review status: criteria provided, single submitter. Criteria: ACMG Guidelines, 2015. Collection method: not provided. Allele origin: germline. Inheritance: Autosomal dominant inheritance. Affected: yes.

PreventionGenetics, part of Exact Sciences
Classification: Benign. Review status: criteria provided, single submitter. Criteria: ACMG Guidelines, 2015. Collection method: clinical testing. Allele origin: germline.

Clinical Genetics, Academic Medical Center
Classification: Benign. Review status: no assertion criteria provided. Collection method: clinical testing. Allele origin: germline. Affected: yes. Study: VKGL Data-share Consensus. Not counted in ClinVar's aggregate classification.

Genome Diagnostics Laboratory, University Medical Center Utrecht
Classification: Likely benign. Review status: no assertion criteria provided. Collection method: clinical testing. Allele origin: germline. Affected: yes. Study: VKGL Data-share Consensus. Not counted in ClinVar's aggregate classification.

Joint Genome Diagnostic Labs from Nijmegen and Maastricht, Radboudumc and MUMC+
Classification: Benign. Review status: no assertion criteria provided. Collection method: clinical testing. Allele origin: germline. Affected: yes. Study: VKGL Data-share Consensus. Not counted in ClinVar's aggregate classification.

NM_006516.4(SLC2A1):c.1065A>G (p.Leu355=)

Gene: SLC2A1 (solute carrier family 2 member 1; minus strand). Cytogenetic location: 1p34.2.
Variant type: single nucleotide variant.
Coding change: c.1065A>G on transcript NM_006516.4 (MANE Select); coding-DNA position 1065, A replaced by G.
Protein change: p.Leu355=; no amino-acid change (leucine 355 retained).
Molecular consequence: synonymous variant.
Genome position (GRCh38, 1-based): chr1:42,928,941, T>C on the plus strand (A>G on the coding strand, the complement: SLC2A1 is on the minus strand). VCF-style: chr1-42928941-T-C. GRCh37 (hg19) VCF-style: chr1-43394612-T-C.
Other names: p.Leu355=; c.1065A>G (NM_006516.3).
Identifiers: ClinVar variation 95407 (VCV000095407.36), dbSNP rs2228490, ClinGen allele CA019003.
Genomic context (GRCh38, chr1:42,928,941, plus strand): 5'-GCCCAGGCAAACTCTCCCGCATCCCTCACTCTCCAGAACCTAGCAACTCACCAGCAGTGC[T>C]AGCGCGATGGTCATGAGTATGGCACAACCCGCCATGCCAGCGAGGCCTATGAGGTGCAGG-3'
Protein context (NP_006507.2, residues 345-365): AGCAILMTIA[Leu355=]ALLEQLPWMS